The following is an entry in ClinVar:

NM_003000.3(SDHB):c.200+9C>A

Gene: SDHB (succinate dehydrogenase complex iron sulfur subunit B; minus strand). Cytogenetic location: 1p36.13.
Variant type: single nucleotide variant.
Coding change: c.200+9C>A on transcript NM_003000.3 (MANE Select); 9 bases into the intron after coding-DNA position 200, C replaced by A.
Molecular consequence: intron variant.
Genome position (GRCh38, 1-based): chr1:17,044,752, G>T on the plus strand (C>A on the coding strand, the complement: SDHB is on the minus strand). VCF-style: chr1-17044752-G-T. GRCh37 (hg19) VCF-style: chr1-17371247-G-T.
Identifiers: ClinVar variation 1671760 (VCV001671760.9), dbSNP rs2101541285, ClinGen allele CA2573130750.

ClinVar aggregate classification (germline): Likely benign. Review status: criteria provided, multiple submitters, no conflicts (2 of 4 stars). 2 submissions from 2 submitters: Likely benign (2). Last evaluated 2025-03-12.

Conditions:
Pheochromocytoma/paraganglioma syndrome 4. Also called: CAROTID BODY TUMORS AND MULTIPLE EXTRAADRENAL PHEOCHROMOCYTOMAS; PARAGANGLIOMA, FAMILIAL MALIGNANT; PARAGANGLIOMAS, HEREDITARY EXTRAADRENAL; PHEOCHROMOCYTOMA, FAMILIAL EXTRAADRENAL; SDHB-Related Hereditary Paraganglioma-Pheochromocytoma Syndrome; SDHB-Related Hereditary Paraganglioma-Pheochromocytoma Syndrome (Paragangliomas 4). Identifiers: Orphanet 29072, MedGen C1861848, MONDO:0007273, OMIM 115310.
Pheochromocytoma. Also called: MAX-Related Hereditary Paraganglioma-Pheochromocytoma Syndrome. Identifiers: Orphanet 29072, MedGen C0031511, MONDO:0008233, OMIM 171300, HP:0002666.
Gastrointestinal stromal tumor. Also called: Gastrointestinal stroma tumor; Gastrointestinal stromal tumor, somatic. Identifiers: Orphanet 44890, MedGen C0238198, MeSH D046152, MONDO:0011719, OMIM 606764, HP:0100723.

Submissions (2):

Myriad Genetics, Inc.
Classification: Likely benign for Pheochromocytoma/paraganglioma syndrome 4. Last evaluated: 2025-03-12. Review status: criteria provided, single submitter. Criteria: Myriad Autosomal Dominant, Autosomal Recessive and X-Linked Classification Criteria (2023). Collection method: clinical testing. Allele origin: unknown.
Comment: This variant is considered likely benign. This variant is intronic and is not expected to impact mRNA splicing.

Labcorp Genetics (formerly Invitae), Labcorp
Classification: Likely benign for Gastrointestinal stromal tumor; Pheochromocytoma/paraganglioma syndrome 4; Pheochromocytoma. Last evaluated: 2022-09-20. Review status: criteria provided, single submitter. Criteria: Invitae Variant Classification Sherloc (09022015). Collection method: clinical testing. Allele origin: germline.